The following is an entry in ClinVar:

NM_000458.4(HNF1B):c.*18C>T

Gene: HNF1B (HNF1 homeobox B; minus strand). Cytogenetic location: 17q12.
Variant type: single nucleotide variant.
Coding change: c.*18C>T on transcript NM_000458.4 (MANE Select); 18 bases downstream of the stop codon, C replaced by T.
Molecular consequence: 3 prime UTR variant. On other transcripts: missense variant (2).
Genome position (GRCh38, 1-based): chr17:37,687,354, G>A on the plus strand (C>T on the coding strand, the complement: HNF1B is on the minus strand). VCF-style: chr17-37687354-G-A. GRCh37 (hg19) VCF-style: chr17-36047357-G-A.
Other names: c.*18C>T (NM_001165923.4); c.1300C>T, p.Leu434Phe (NM_001304286.2); c.1573C>T, p.Leu525Phe (NM_001411100.1); short protein forms L434F, L525F.
Identifiers: ClinVar variation 3061308 (VCV003061308.2), dbSNP rs746519662, ClinGen allele CA398750238.

ClinVar aggregate classification (germline): Uncertain significance (0 of 4 stars; one submission).

Conditions:
HNF1B-related disorder. Also called: HNF1B-related disorders; HNF1B-related condition.

Allele frequency attached by ClinVar (database versions not stated): gnomAD 0.00001.
gnomAD v4.1: 2 of 1,613,998 alleles (0.00012%); highest among the groups gnomAD compares: East Asian, 0.0045%; no homozygotes.

Submission:

PreventionGenetics, part of Exact Sciences
Classification: Uncertain significance for HNF1B-related condition. Last evaluated: 2024-01-31. Review status: no assertion criteria provided. Collection method: clinical testing. Allele origin: germline.
Comment: The HNF1B c.1300C>T variant is predicted to result in the amino acid substitution p.Leu434Phe. This variant is referred to as c.*18C>T (post-coding) with an alternate transcript NM_000458. To our knowledge, this variant has not been reported in the literature or in a large population database, indicating this variant is rare. At this time, the clinical significance of this variant is uncertain due to the absence of conclusive functional and genetic evidence.